The following is an entry in ClinVar:

ClinVar aggregate classification (germline): Uncertain significance. Review status: criteria provided, multiple submitters, no conflicts (2 of 4 stars). 2 submissions from 2 submitters: Uncertain significance (2). Last evaluated 2025-03-04.

Allele frequency attached by ClinVar (database versions not stated): ExAC 0.00001; TOPMed 0.00001; gnomAD 0.00002; ESP Exome Variant Server 0.00008.
gnomAD v4.1: 32 of 1,613,956 alleles (0.002%); highest among the groups gnomAD compares: Non-Finnish European, 0.0027%; no homozygotes.

Submissions (2):

Labcorp Genetics (formerly Invitae), Labcorp
Classification: Uncertain significance. Last evaluated: 2025-03-04. Review status: criteria provided, single submitter. Criteria: Invitae Variant Classification Sherloc (09022015). Collection method: clinical testing. Allele origin: germline.
Comment: This sequence change replaces proline, which is neutral and non-polar, with alanine, which is neutral and non-polar, at codon 1238 of the COL4A2 protein (p.Pro1238Ala). This variant is present in population databases (rs375198480, gnomAD 0.0009%). This variant has not been reported in the literature in individuals affected with COL4A2-related conditions. ClinVar contains an entry for this variant (Variation ID: 2172873). Invitae Evidence Modeling of protein sequence and biophysical properties (such as structural, functional, and spatial information, amino acid conservation, physicochemical variation, residue mobility, and thermodynamic stability) indicates that this missense variant is not expected to disrupt COL4A2 protein function with a negative predictive value of 95%. In summary, the available evidence is currently insufficient to determine the role of this variant in disease. Therefore, it has been classified as a Variant of Uncertain Significance.

GeneDx
Classification: Uncertain significance. Last evaluated: 2025-01-12. Review status: criteria provided, single submitter. Criteria: GeneDx Variant Classification Process June 2021. Collection method: clinical testing. Allele origin: germline. Affected: yes.
Comment: In silico analysis supports that this missense variant has a deleterious effect on protein structure/function; Has not been previously published as pathogenic or benign to our knowledge

NM_001846.4(COL4A2):c.3712C>G (p.Pro1238Ala)

Gene: COL4A2 (collagen type IV alpha 2 chain; plus strand). Cytogenetic location: 13q34.
Variant type: single nucleotide variant.
Coding change: c.3712C>G on transcript NM_001846.4 (MANE Select); coding-DNA position 3712, C replaced by G.
Protein change: p.Pro1238Ala; replaces proline 1238 with alanine.
Molecular consequence: missense variant.
Genome position (GRCh38, 1-based): chr13:110,495,419, C>G. VCF-style: chr13-110495419-C-G. GRCh37 (hg19) VCF-style: chr13-111147766-C-G.
Other names: c.3712C>G (NM_001846.2); short protein forms P1238A.
Identifiers: ClinVar variation 2172873 (VCV002172873.5), dbSNP rs375198480, ClinGen allele CA7050302.